The following is an entry in ClinVar:

ClinVar aggregate classification (germline): Likely benign (0 of 4 stars; one submission).

Conditions:
SMARCC2-related disorder. Also called: SMARCC2-related condition.

Allele frequency attached by ClinVar (database versions not stated): TOPMed 0.00009; ExAC 0.00010; gnomAD exomes 0.00012; gnomAD 0.00013; ESP Exome Variant Server 0.00015; 1000 Genomes Project 30x 0.00078; 1000 Genomes Project 0.00080.
gnomAD v4.1: 201 of 1,613,876 alleles (0.012%); highest among the groups gnomAD compares: Admixed American, 0.032%; no homozygotes.

Submission:

PreventionGenetics, part of Exact Sciences
Classification: Likely benign for SMARCC2-related condition. Last evaluated: 2019-10-23. Review status: no assertion criteria provided. Collection method: clinical testing. Allele origin: germline.
Comment: This variant is classified as likely benign based on ACMG/AMP sequence variant interpretation guidelines (Richards et al. 2015 PMID: 25741868, with internal and published modifications).

NM_001330288.2(SMARCC2):c.2505C>T (p.Gly835=)

Gene: SMARCC2 (SWI/SNF related BAF chromatin remodeling complex subunit C2; minus strand). Cytogenetic location: 12q13.2.
Variant type: single nucleotide variant.
Coding change: c.2505C>T on transcript NM_001330288.2 (MANE Select); coding-DNA position 2505, C replaced by T.
Protein change: p.Gly835=; no amino-acid change (glycine 835 retained).
Molecular consequence: synonymous variant.
Genome position (GRCh38, 1-based): chr12:56,169,819, G>A on the plus strand (C>T on the coding strand, the complement: SMARCC2 is on the minus strand). VCF-style: chr12-56169819-G-A. GRCh37 (hg19) VCF-style: chr12-56563603-G-A.
Other names: c.2505C>T, p.Gly835= (NM_001130420.3, NM_139067.4); c.2412C>T, p.Gly804= (NM_003075.5).
Identifiers: ClinVar variation 3045697 (VCV003045697.2), dbSNP rs190014079, ClinGen allele CA6625771.